The following is an entry in ClinVar:

NM_015650.4(TRAF3IP1):c.202G>A (p.Ala68Thr)

Gene: TRAF3IP1 (TRAF3 interacting protein 1; plus strand). Cytogenetic location: 2q37.3.
Variant type: single nucleotide variant.
Coding change: c.202G>A on transcript NM_015650.4 (MANE Select); coding-DNA position 202, G replaced by A.
Protein change: p.Ala68Thr; replaces alanine 68 with threonine.
Molecular consequence: missense variant.
Genome position (GRCh38, 1-based): chr2:238,325,818, G>A. VCF-style: chr2-238325818-G-A. GRCh37 (hg19) VCF-style: chr2-239234459-G-A.
Other names: c.202G>A, p.Ala68Thr (NM_001139490.1); short protein forms A68T.
Identifiers: ClinVar variation 1407618 (VCV001407618.6), dbSNP rs2106359225, ClinGen allele CA351241640.

ClinVar aggregate classification (germline): Uncertain significance (1 of 4 stars; one submission).

Submission:

Labcorp Genetics (formerly Invitae), Labcorp
Classification: Uncertain significance. Last evaluated: 2022-09-01. Review status: criteria provided, single submitter. Criteria: Invitae Variant Classification Sherloc (09022015). Collection method: clinical testing. Allele origin: germline.
Comment: This sequence change replaces alanine, which is neutral and non-polar, with threonine, which is neutral and polar, at codon 68 of the TRAF3IP1 protein (p.Ala68Thr). This variant is not present in population databases (gnomAD no frequency). This variant has not been reported in the literature in individuals affected with TRAF3IP1-related conditions. ClinVar contains an entry for this variant (Variation ID: 1407618). Algorithms developed to predict the effect of missense changes on protein structure and function are either unavailable or do not agree on the potential impact of this missense change (SIFT: "Tolerated"; PolyPhen-2: "Possibly Damaging"; Align-GVGD: "Class C0"). In summary, the available evidence is currently insufficient to determine the role of this variant in disease. Therefore, it has been classified as a Variant of Uncertain Significance.